The following is an entry in ClinVar:

NM_000260.4(MYO7A):c.133-2A>G

Gene: MYO7A (myosin VIIA; plus strand). Cytogenetic location: 11q13.5.
Variant type: single nucleotide variant.
Coding change: c.133-2A>G on transcript NM_000260.4 (MANE Select); the canonical splice acceptor site of the intron before coding-DNA position 133, A replaced by G.
Molecular consequence: splice acceptor variant.
Genome position (GRCh38, 1-based): chr11:77,147,796, A>G. VCF-style: chr11-77147796-A-G. GRCh37 (hg19) VCF-style: chr11-76858842-A-G.
Other names: IVS3AS, A-G, -2; c.100-2A>G (NM_001369365.1); c.133-2A>G (NM_001127180.2).
Identifiers: ClinVar variation 555778 (VCV000555778.19), dbSNP rs782064437, ClinGen allele CA6197056.

ClinVar aggregate classification (germline): Pathogenic. Review status: criteria provided, multiple submitters, no conflicts (2 of 4 stars). 8 submissions from 8 submitters: Pathogenic (6). 2 of the submissions do not count toward it. Last evaluated 2026-02-20.

Conditions:
MYO7A-related disorder. Also called: MYO7A-related disorders.
Autosomal recessive nonsyndromic hearing loss 2. Also called: NEUROSENSORY NONSYNDROMIC RECESSIVE DEAFNESS 2; DEAFNESS, AUTOSOMAL RECESSIVE 2. Identifiers: Orphanet 90636, MedGen C1838701, MONDO:0010807, OMIM 600060.
Usher syndrome type 1 (USH1). Also called: RETINITIS PIGMENTOSA AND CONGENITAL DEAFNESS. Identifiers: Orphanet 231169, Orphanet 886, MedGen C1568247, MONDO:0010168, OMIM 276900.
Usher syndrome type 1B (USH1B). Also called: Usher syndrome type IB. Identifiers: MedGen C1848638, MONDO:0700087.

Allele frequency attached by ClinVar (database versions not stated): TOPMed below 0.00001; gnomAD 0.00001; gnomAD exomes 0.00001; ExAC 0.00002.
gnomAD v4.1: 67 of 1,608,948 alleles (0.0042%); highest among the groups gnomAD compares: Non-Finnish European, 0.0057%; no homozygotes.

Submissions (8):

GeneDx
Classification: Pathogenic. Last evaluated: 2026-02-20. Review status: criteria provided, single submitter. Criteria: GeneDx Variant Classification Process June 2021. Collection method: clinical testing. Allele origin: germline.
Comment: Not observed at significant frequency in large population cohorts (gnomAD); Canonical splice site variant predicted to result in an in-frame loss of the adjacent exon in a gene for which loss of function is a known mechanism of disease; This variant is associated with the following publications: (PMID: 25525159, 31479088, 28472130, 31980526, 24199935, 22135276, 9171832, 36240775, 27460420, 33576163, 38219857)

Natera, Inc.
Classification: Pathogenic for Usher syndrome type 1B. Last evaluated: 2025-11-10. Review status: criteria provided, single submitter. Criteria: Natera Variant Classification Schema (03/2026). Collection method: clinical testing. Allele origin: germline.
Comment: The c.133-2A>G variant in MYO7A is a canonical splice acceptor site variant predicted to affect pre-mRNA splicing, which may result in an abnormal transcript and altered protein product. This variant is expected to result in nonsense mediated decay, truncation, or a dysfunctional protein product. This variant is rare in the general population with a frequency below the threshold expected for the associated phenotype(s). This variant has been observed in one or more individuals affected with the associated recessive disease, as either homozygous or compound heterozygous with a second variant (PMID: 27460420, 22135276, 36240775, 10868224). Additionally, this variant has been observed to segregate in affected family members (PMID: 10868224). Functional studies show that this variant may disrupt protein function (PMID: 36240775). Given the available evidence, this variant is classified as Pathogenic.

Victorian Clinical Genetics Services, Murdoch Childrens Research Institute
Classification: Pathogenic for Autosomal recessive nonsyndromic hearing loss 2. Last evaluated: 2024-09-22. Review status: criteria provided, single submitter. Criteria: ACMG Guidelines, 2015. Collection method: clinical testing. Allele origin: germline. Inheritance: Autosomal recessive inheritance. Affected: yes.
Comment: Based on the classification scheme VCGS_Germline_v1.3.4, this variant is classified as Pathogenic. Following criteria are met: 0102 - Loss of function is a known mechanism of disease in this gene and is associated with deafness autosomal dominant 11 (MIM#601317), deafness autosomal recessive 2 (MIM#600060) and Usher syndrome, type 1B (MIM#276900). In addition, dominant negative is the suggested mechanism for missense variants in autosomal dominant inheritance (OMIM, PMID: 23383098). (I) 0108 - This gene is associated with both recessive and dominant disease. While the genotype-phenotype correlation is unestablished, missense variants causing autosomal dominant inheritance are rare and are not localised to a specific protein region (OMIM). (I) 0210 - Splice site variant proven to affect splicing of the transcript with a known effect on protein sequence. This variant causes the skipping of the canonical acceptor splice site and activation of a cryptic splice site, shortening exon 4 by seven amino acids (p.Glu45_Gln51del) (PMID: 36240775). (SP) 0251 - This variant is heterozygous. (I) 0304 - Variant is present in gnomAD (v2) <0.01 (2 heterozygotes, 0 homozygotes). (SP) 0801 - This variant has strong previous evidence of pathogenicity in unrelated individuals. This variant has been classified as pathogenic by multiple clinical laboratories in ClinVar. This variant has also been observed in multiple individuals with a second MYO7A variant with Usher syndrome and one individual with congenital bilateral sensorineural hearing loss without eye disease (PMID: 9171832, 27460420, 24199935, 36240775, 27145477). (SP) 1201 - Heterozygous variant detected in trans with a second pathogenic heterozygous variant (NM_000260.3(MYO7A):c.397C>A; p.(His133Asn)) in a recessive disease. (I) Legend: (SP) - Supporting pathogenic, (I) - Information, (SB) - Supporting benign

Labcorp Genetics (formerly Invitae), Labcorp
Classification: Pathogenic. Last evaluated: 2023-12-01. Review status: criteria provided, single submitter. Criteria: Invitae Variant Classification Sherloc (09022015). Collection method: clinical testing. Allele origin: germline.
Comment: This sequence change affects an acceptor splice site in intron 3 of the MYO7A gene. It is expected to disrupt RNA splicing. Variants that disrupt the donor or acceptor splice site typically lead to a loss of protein function (PMID: 16199547), and loss-of-function variants in MYO7A are known to be pathogenic (PMID: 8900236, 25404053). The frequency data for this variant in the population databases is considered unreliable, as metrics indicate poor data quality at this position in the gnomAD database. Disruption of this splice site has been observed in individuals with clinical features of autosomal recessive Usher syndrome and non-syndromic deafness (PMID: 9171832, 22135276, 24199935, 27460420, 31479088). This variant is also known as IVS3nt-2a>g. ClinVar contains an entry for this variant (Variation ID: 555778). Algorithms developed to predict the effect of sequence changes on RNA splicing suggest that this variant may disrupt the consensus splice site. For these reasons, this variant has been classified as Pathogenic.

Blueprint Genetics
Classification: Pathogenic for MYO7A-related disorders. Last evaluated: 2022-11-28. Review status: criteria provided, single submitter. Criteria: ACMG Guidelines, 2015. Collection method: clinical testing. Allele origin: germline. Affected: yes. Observed: 2 variant alleles.

Women's Health and Genetics/Laboratory Corporation of America, LabCorp
Classification: Pathogenic for MYO7A-Related Disorders. Last evaluated: 2020-11-12. Review status: criteria provided, single submitter. Criteria: LabCorp Variant Classification Summary - May 2015. Collection method: clinical testing. Allele origin: germline.
Comment: Variant summary: MYO7A c.133-2A>G is located in a canonical splice-site and is predicted to affect mRNA splicing resulting in a significantly altered protein due to either exon skipping, shortening, or inclusion of intronic material. Several computational tools predict a significant impact on normal splicing: four predict that the variant abolishes a 3' acceptor site. However, these predictions have yet to be confirmed by functional studies. The variant allele was found at a frequency of 8.3e-06 in 240926 control chromosomes (gnomAD). c.133-2A>G has been reported in the literature in multiple compound heterozygous individuals affected with MYO7A-Related Disorders (Usher syndrome type 1; e.g. Liu_1997, LeQuesneStabej_2012, Bonnet_2016). These data indicate that the variant is likely to be associated with disease. To our knowledge, no experimental evidence demonstrating an impact on protein function has been reported. One clinical diagnostic laboratory has submitted clinical-significance assessments for this variant to ClinVar after 2014 without evidence for independent evaluation, and cited the variant as pathogenic. Based on the evidence outlined above, the variant was classified as pathogenic.

Counsyl
Classification: Pathogenic for Usher syndrome type 1; Autosomal recessive nonsyndromic hearing loss 2. Last evaluated: 2017-12-21. Review status: no assertion criteria provided. Collection method: clinical testing. Allele origin: unknown. Not counted in ClinVar's aggregate classification.

OMIM
Classification: Pathogenic for DEAFNESS, AUTOSOMAL RECESSIVE 2. Last evaluated: 1997-06-01. Review status: no assertion criteria provided. Collection method: literature only. Allele origin: germline. Not counted in ClinVar's aggregate classification.

Literature cited by the submitters: PubMed 27460420 (cited by 5 submitters); PubMed 22135276 (cited by 4 submitters); PubMed 36240775 (cited by Natera, Inc. and Victorian Clinical Genetics Services, Murdoch Childrens Research Institute); PubMed 10868224 (cited by Natera, Inc. and Women's Health and Genetics/Laboratory Corporation of America, LabCorp); PubMed 9171832 (cited by 3 submitters); PubMed 23383098 (cited by Victorian Clinical Genetics Services, Murdoch Childrens Research Institute); PubMed 24199935 (cited by Victorian Clinical Genetics Services, Murdoch Childrens Research Institute and Labcorp Genetics (formerly Invitae), Labcorp); PubMed 27145477 (cited by Victorian Clinical Genetics Services, Murdoch Childrens Research Institute); PubMed 16199547 (cited by Labcorp Genetics (formerly Invitae), Labcorp); PubMed 8900236 (cited by Labcorp Genetics (formerly Invitae), Labcorp); PubMed 25404053 (cited by Labcorp Genetics (formerly Invitae), Labcorp); PubMed 31479088 (cited by Labcorp Genetics (formerly Invitae), Labcorp).